The following is an entry in ClinVar:

NM_022042.4(SLC26A1):c.661G>A (p.Val221Met)

Genes: IDUA (alpha-L-iduronidase; plus strand), SLC26A1 (solute carrier family 26 member 1; minus strand). Cytogenetic location: 4p16.3.
Variant type: single nucleotide variant.
Coding change: c.661G>A on transcript NM_022042.4 (MANE Select); coding-DNA position 661, G replaced by A.
Protein change: p.Val221Met; replaces valine 221 with methionine.
Molecular consequence: missense variant. On other transcripts: intron variant (2).
Genome position (GRCh38, 1-based): chr4:990,278, C>T on the plus strand (G>A on the coding strand, the complement: SLC26A1 is on the minus strand). VCF-style: chr4-990278-C-T. GRCh37 (hg19) VCF-style: chr4-984066-C-T.
Other names: c.661G>A, p.Val221Met (NM_213613.4); c.576+850G>A (NM_134425.4); c.299+2329C>T (NM_000203.5); short protein forms V221M.
Identifiers: ClinVar variation 3022592 (VCV003022592.3), dbSNP rs761749242, ClinGen allele CA2801579.
Genomic context (GRCh38, chr4:990,278, plus strand): 5'-CCTGGTGCCGCGGGATCCGCACGCCCAGCAGGTGTTTGAGCTGCGAGGTCAGGATGGTCA[C>T]GGAGGCCCCCATGGCAAAGCCATCGAGCAGTGGCTGTGAGAGGTAGGCGGACACGAAGCC-3'
Protein context (NP_071325.2, residues 211-231): LLDGFAMGAS[Val221Met]TILTSQLKHL

ClinVar aggregate classification (germline): Uncertain significance (1 of 4 stars; one submission).

Allele frequency attached by ClinVar (database versions not stated): TOPMed 0.00002; gnomAD exomes 0.00003; ExAC 0.00010; gnomAD 0.00001.
gnomAD v4.1: 41 of 1,599,866 alleles (0.0026%); highest among the groups gnomAD compares: South Asian, 0.0079%; no homozygotes.

Submission:

Labcorp Genetics (formerly Invitae), Labcorp
Classification: Uncertain significance. Last evaluated: 2025-06-12. Review status: criteria provided, single submitter. Criteria: Invitae Variant Classification Sherloc (09022015). Collection method: clinical testing. Allele origin: germline.
Comment: This sequence change replaces valine, which is neutral and non-polar, with methionine, which is neutral and non-polar, at codon 221 of the SLC26A1 protein (p.Val221Met). This variant is present in population databases (rs761749242, gnomAD 0.01%). This variant has not been reported in the literature in individuals affected with SLC26A1-related conditions. ClinVar contains an entry for this variant (Variation ID: 3022592). Invitae Evidence Modeling of protein sequence and biophysical properties (such as structural, functional, and spatial information, amino acid conservation, physicochemical variation, residue mobility, and thermodynamic stability) indicates that this missense variant is not expected to disrupt SLC26A1 protein function with a negative predictive value of 80%. In summary, the available evidence is currently insufficient to determine the role of this variant in disease. Therefore, it has been classified as a Variant of Uncertain Significance.